The following is an entry in ClinVar:

NM_003835.4(RGS9):c.1916T>C (p.Val639Ala)

Gene: RGS9 (regulator of G protein signaling 9; plus strand). Cytogenetic location: 17q24.1.
Variant type: single nucleotide variant.
Coding change: c.1916T>C on transcript NM_003835.4 (MANE Select); coding-DNA position 1916, T replaced by C.
Protein change: p.Val639Ala; replaces valine 639 with alanine.
Molecular consequence: missense variant.
Genome position (GRCh38, 1-based): chr17:65,227,298, T>C. VCF-style: chr17-65227298-T-C. GRCh37 (hg19) VCF-style: chr17-63223416-T-C.
Other names: c.1907T>C, p.Val636Ala (NM_001081955.3); short protein forms V636A, V639A.
Identifiers: ClinVar variation 953378 (VCV000953378.6), dbSNP rs201763809, ClinGen allele CA8718205.

ClinVar aggregate classification (germline): Conflicting classifications of pathogenicity. Review status: criteria provided, conflicting classifications (1 of 4 stars). 3 submissions from 3 submitters: Uncertain significance (2); Likely benign (1). Last evaluated 2024-07-14.

Conditions:
Inborn genetic diseases. Identifiers: MedGen C0950123, MeSH D030342.

Allele frequency attached by ClinVar (database versions not stated): gnomAD exomes 0.00002 and 0.00005; ExAC 0.00008; gnomAD 0.00015 and 0.00016; TOPMed 0.00019; ESP Exome Variant Server 0.00049.
gnomAD v4.1: 57 of 1,614,020 alleles (0.0035%); highest among the groups gnomAD compares: African/African-American, 0.068%; no homozygotes.

Submissions (3):

Blueprint Genetics
Classification: Likely benign. Last evaluated: 2024-07-14. Review status: criteria provided, single submitter. Criteria: ACMG Guidelines, 2015. Collection method: clinical testing. Allele origin: germline.

Ambry Genetics
Classification: Uncertain significance for Inborn genetic diseases. Last evaluated: 2023-11-06. Review status: criteria provided, single submitter. Criteria: Ambry Variant Classification Scheme 2023. Collection method: clinical testing. Allele origin: germline.

Labcorp Genetics (formerly Invitae), Labcorp
Classification: Uncertain significance. Last evaluated: 2022-09-27. Review status: criteria provided, single submitter. Criteria: Invitae Variant Classification Sherloc (09022015). Collection method: clinical testing. Allele origin: germline.
Comment: This sequence change replaces valine, which is neutral and non-polar, with alanine, which is neutral and non-polar, at codon 639 of the RGS9 protein (p.Val639Ala). This variant is present in population databases (rs201763809, gnomAD 0.07%). This variant has not been reported in the literature in individuals affected with RGS9-related conditions. ClinVar contains an entry for this variant (Variation ID: 953378). Algorithms developed to predict the effect of missense changes on protein structure and function are either unavailable or do not agree on the potential impact of this missense change (SIFT: "Deleterious"; PolyPhen-2: "Benign"; Align-GVGD: "Class C0"). In summary, the available evidence is currently insufficient to determine the role of this variant in disease. Therefore, it has been classified as a Variant of Uncertain Significance.